The following is an entry in ClinVar:

NM_014165.4(NDUFAF4):c.307A>G (p.Met103Val)

Gene: NDUFAF4 (NADH:ubiquinone oxidoreductase complex assembly factor 4; minus strand). Cytogenetic location: 6q16.1.
Variant type: single nucleotide variant.
Coding change: c.307A>G on transcript NM_014165.4 (MANE Select); coding-DNA position 307, A replaced by G.
Protein change: p.Met103Val; replaces methionine 103 with valine.
Molecular consequence: missense variant.
Genome position (GRCh38, 1-based): chr6:96,891,325, T>C on the plus strand (A>G on the coding strand, the complement: NDUFAF4 is on the minus strand). VCF-style: chr6-96891325-T-C. GRCh37 (hg19) VCF-style: chr6-97339201-T-C.
Other names: c.307A>G (NM_014165.2); short protein forms M103V.
Identifiers: ClinVar variation 4697186 (VCV004697186.2).

ClinVar aggregate classification (germline): Uncertain significance. Review status: criteria provided, multiple submitters, no conflicts (2 of 4 stars). 2 submissions from 2 submitters: Uncertain significance (2). Last evaluated 2026-03-17.

Submissions (2):

GeneDx
Classification: Uncertain significance. Last evaluated: 2026-03-17. Review status: criteria provided, single submitter. Criteria: GeneDx Variant Classification Process June 2021. Collection method: clinical testing. Allele origin: germline.
Comment: Not observed at significant frequency in large population cohorts (gnomAD); In silico analysis suggests that this missense variant does not alter protein structure/function; Has not been previously published as pathogenic or benign to our knowledge

Labcorp Genetics (formerly Invitae), Labcorp
Classification: Uncertain significance. Last evaluated: 2025-07-03. Review status: criteria provided, single submitter. Criteria: Invitae Variant Classification Sherloc (09022015). Collection method: clinical testing. Allele origin: germline.
Comment: This sequence change replaces methionine, which is neutral and non-polar, with valine, which is neutral and non-polar, at codon 103 of the NDUFAF4 protein (p.Met103Val). The frequency data for this variant in the population databases is considered unreliable, as metrics indicate poor data quality at this position in the gnomAD database. This variant has not been reported in the literature in individuals affected with NDUFAF4-related conditions. An algorithm developed to predict the effect of missense changes on protein structure and function outputs the following: PolyPhen-2: "Benign". The valine amino acid residue is found in multiple mammalian species, which suggests that this missense change does not adversely affect protein function. In summary, the available evidence is currently insufficient to determine the role of this variant in disease. Therefore, it has been classified as a Variant of Uncertain Significance.